The following is an entry in ClinVar:

ClinVar aggregate classification (germline): Uncertain significance. Review status: criteria provided, multiple submitters, no conflicts (2 of 4 stars). 2 submissions from 2 submitters: Uncertain significance (2). Last evaluated 2025-12-30.

Conditions:
Inborn genetic diseases. Identifiers: MedGen C0950123, MeSH D030342.

gnomAD v4.1: 4 of 1,614,194 alleles (0.00025%); highest among the groups gnomAD compares: African/African-American, 0.0027%; no homozygotes.

Submissions (2):

Ambry Genetics
Classification: Uncertain significance for Inborn genetic diseases. Last evaluated: 2025-12-30. Review status: criteria provided, single submitter. Criteria: Ambry Variant Classification Scheme 2023. Collection method: clinical testing. Allele origin: germline.

Labcorp Genetics (formerly Invitae), Labcorp
Classification: Uncertain significance. Last evaluated: 2025-06-09. Review status: criteria provided, single submitter. Criteria: Invitae Variant Classification Sherloc (09022015). Collection method: clinical testing. Allele origin: germline.
Comment: This sequence change replaces arginine, which is basic and polar, with glutamine, which is neutral and polar, at codon 1497 of the HIVEP2 protein (p.Arg1497Gln). This variant is not present in population databases (gnomAD no frequency). This variant has not been reported in the literature in individuals affected with HIVEP2-related conditions. This missense change has been observed in at least one individual who was not affected with HIVEP2-related conditions (internal data). ClinVar contains an entry for this variant (Variation ID: 2698344). Invitae Evidence Modeling of protein sequence and biophysical properties (such as structural, functional, and spatial information, amino acid conservation, physicochemical variation, residue mobility, and thermodynamic stability) indicates that this missense variant is expected to disrupt HIVEP2 protein function with a positive predictive value of 80%. In summary, the available evidence is currently insufficient to determine the role of this variant in disease. Therefore, it has been classified as a Variant of Uncertain Significance.

NM_006734.4(HIVEP2):c.4490G>A (p.Arg1497Gln)

Gene: HIVEP2 (HIVEP zinc finger 2; minus strand). Cytogenetic location: 6q24.2.
Variant type: single nucleotide variant.
Coding change: c.4490G>A on transcript NM_006734.4 (MANE Select); coding-DNA position 4490, G replaced by A.
Protein change: p.Arg1497Gln; replaces arginine 1497 with glutamine.
Molecular consequence: missense variant.
Genome position (GRCh38, 1-based): chr6:142,770,249, C>T on the plus strand (G>A on the coding strand, the complement: HIVEP2 is on the minus strand). VCF-style: chr6-142770249-C-T. GRCh37 (hg19) VCF-style: chr6-143091386-C-T.
Other names: c.4490G>A (NM_006734.3); short protein forms R1497Q.
Identifiers: ClinVar variation 2698344 (VCV002698344.4), dbSNP rs757655292, ClinGen allele CA365899967.